The following is an entry in ClinVar:

ClinVar aggregate classification (germline): Pathogenic. Review status: reviewed by expert panel (3 of 4 stars). 2 submissions from 2 submitters: Pathogenic (1). 1 of the submissions does not count toward it. Last evaluated 2017-12-15.

Conditions:
Breast-ovarian cancer, familial, susceptibility to, 2 (BROVCA2). Also called: BRCA2 Hereditary Breast and Ovarian Cancer. Identifiers: Orphanet 145, MedGen C2675520, MONDO:0012933, OMIM 612555. Disease mechanism: loss of function.
Familial cancer of breast. Also called: BREAST CANCER, FAMILIAL; Hereditary breast cancer; hereditary breast carcinoma. Identifiers: Orphanet 227535, MedGen C0346153, MONDO:0016419, OMIM 114480. Disease mechanism: loss of function.

Submissions (2):

Evidence-based Network for the Interpretation of Germline Mutant Alleles (ENIGMA)
Classification: Pathogenic for Breast-ovarian cancer, familial, susceptibility to, 2. Last evaluated: 2017-12-15. Review status: reviewed by expert panel. Criteria: ENIGMA BRCA1/2 Classification Criteria (2017-06-29). Collection method: curation. Allele origin: germline. Study: ENIGMA.
Comment: Variant allele predicted to encode a truncated non-functional protein.

ClinVar Staff, National Center for Biotechnology Information (NCBI)
No classification provided. Condition: Familial cancer of breast. Review status: no classification provided. Collection method: literature only. Allele origin: germline. Affected: yes. Not counted in ClinVar's aggregate classification.

Literature cited by the submitters: PubMed 17250666 (cited by ClinVar Staff, National Center for Biotechnology Information (NCBI)).

NM_000059.4(BRCA2):c.3531_3534del (p.Asp1177fs)

Gene: BRCA2 (BRCA2 DNA repair associated; plus strand). Cytogenetic location: 13q13.1.
Variant type: Deletion.
Coding change: c.3531_3534del on transcript NM_000059.4 (MANE Select); coding-DNA positions 3531 to 3534, 4 bases deleted (CAGC; older notation c.3531_3534delCAGC).
Protein change: p.Asp1177fs; shifts the reading frame from aspartic acid 1177.
Molecular consequence: frameshift variant.
Genome position (GRCh38, 1-based): chr13:32,337,886-32,337,889, CAGC deleted. VCF-style (leftmost placement, unchanged base first): chr13-32337885-ACAGC-A. GRCh37 (hg19) VCF-style: chr13-32912022-ACAGC-A.
Other names: c.3531_3534delCAGC (NM_000059.3); short protein forms D1177fs.
Identifiers: ClinVar variation 51482 (VCV000051482.3), dbSNP rs397507673, ClinGen allele CA018270.
Genomic context (GRCh38, chr13:32,337,885, plus strand): 5'-AGGAATGCAGAGATGCTGATCTTCATGTCATAATGAATGCCCCATCGATTGGTCAGGTAG[ACAGC>A]AGCAAGCAATTTGAAGGTACAGTTGAAATTAAACGGAAGTTTGCTGGCCTGTTGAAAAAT-3'